The following is an entry in ClinVar:

NM_001267550.2(TTN):c.98378T>C (p.Ile32793Thr)

Genes: TTN (titin; minus strand), TTN-AS1 (TTN antisense RNA 1; plus strand). Cytogenetic location: 2q31.2.
Variant type: single nucleotide variant.
Coding change: c.98378T>C on transcript NM_001267550.2 (MANE Select); coding-DNA position 98378, T replaced by C.
Protein change: p.Ile32793Thr; replaces isoleucine 32793 with threonine.
Molecular consequence: missense variant. On other transcripts: non-coding transcript variant (1).
Genome position (GRCh38, 1-based): chr2:178,539,687, A>G on the plus strand (T>C on the coding strand, the complement: TTN is on the minus strand). VCF-style: chr2-178539687-A-G. GRCh37 (hg19) VCF-style: chr2-179404414-A-G.
Other names: c.93455T>C, p.Ile31152Thr (NM_001256850.1); c.71183T>C, p.Ile23728Thr (NM_003319.4); c.90674T>C, p.Ile30225Thr (NM_133378.4); c.71558T>C, p.Ile23853Thr (NM_133432.3); c.71759T>C, p.Ile23920Thr (NM_133437.4); short protein forms I23728T, I23853T, I30225T, I31152T, I23920T, I32793T.
Identifiers: ClinVar variation 4981803 (VCV004981803.1).

ClinVar aggregate classification (germline): Uncertain significance (1 of 4 stars; one submission).

Conditions:
TTN-related disorder. Also called: TTN-related disorders; TTN-related condition; TTN-related disease.

gnomAD v4.1: 5 of 1,613,692 alleles (0.00031%); highest among the groups gnomAD compares: East Asian, 0.0022%; no homozygotes.

Submission:

PreventionGenetics, part of Exact Sciences
Classification: Uncertain significance for TTN-related condition. Last evaluated: 2026-04-28. Review status: criteria provided, single submitter. Criteria: ACMG Guidelines, 2015. Collection method: clinical testing. Allele origin: germline.
Comment: The TTN c.98378T>C variant is predicted to result in the amino acid substitution p.Ile32793Thr. To our knowledge, this variant has not been reported in the literature. This variant is reported in 0.0056% of alleles in individuals of East Asian descent in gnomAD. At this time, the clinical significance of this variant is uncertain due to the absence of conclusive functional and genetic evidence.